The following is an entry in ClinVar:

NM_001430.5(EPAS1):c.2015C>G (p.Ser672Cys)

Gene: EPAS1 (endothelial PAS domain protein 1; plus strand). Cytogenetic location: 2p21.
Variant type: single nucleotide variant.
Coding change: c.2015C>G on transcript NM_001430.5 (MANE Select); coding-DNA position 2015, C replaced by G.
Protein change: p.Ser672Cys; replaces serine 672 with cysteine.
Molecular consequence: missense variant.
Genome position (GRCh38, 1-based): chr2:46,380,687, C>G. VCF-style: chr2-46380687-C-G. GRCh37 (hg19) VCF-style: chr2-46607826-C-G.
Other names: short protein forms S672C.
Identifiers: ClinVar variation 1784460 (VCV001784460.4), dbSNP rs2103673917, ClinGen allele CA346705347.

ClinVar aggregate classification (germline): Uncertain significance. Review status: criteria provided, multiple submitters, no conflicts (2 of 4 stars). 2 submissions from 2 submitters: Uncertain significance (2). Last evaluated 2024-09-09.

Conditions:
Inborn genetic diseases. Identifiers: MedGen C0950123, MeSH D030342.

Allele frequency attached by ClinVar (database versions not stated): gnomAD 0.00001; gnomAD exomes 0.00001.
gnomAD v4.1: 13 of 1,613,518 alleles (0.00081%); highest among the groups gnomAD compares: Non-Finnish European, 0.001%; no homozygotes.

Submissions (2):

Labcorp Genetics (formerly Invitae), Labcorp
Classification: Uncertain significance. Last evaluated: 2024-09-09. Review status: criteria provided, single submitter. Criteria: Invitae Variant Classification Sherloc (09022015). Collection method: clinical testing. Allele origin: germline.
Comment: This sequence change replaces serine, which is neutral and polar, with cysteine, which is neutral and slightly polar, at codon 672 of the EPAS1 protein (p.Ser672Cys). This variant is not present in population databases (gnomAD no frequency). This variant has not been reported in the literature in individuals affected with EPAS1-related conditions. ClinVar contains an entry for this variant (Variation ID: 1784460). An algorithm developed to predict the effect of missense changes on protein structure and function (PolyPhen-2) suggests that this variant is likely to be tolerated. In summary, the available evidence is currently insufficient to determine the role of this variant in disease. Therefore, it has been classified as a Variant of Uncertain Significance.

Ambry Genetics
Classification: Uncertain significance for Inborn genetic diseases. Last evaluated: 2022-03-24. Review status: criteria provided, single submitter. Criteria: Ambry Variant Classification Scheme 2023. Collection method: clinical testing. Allele origin: germline.
Comment: The p.S672C variant (also known as c.2015C>G), located in coding exon 12 of the EPAS1 gene, results from a C to G substitution at nucleotide position 2015. The serine at codon 672 is replaced by cysteine, an amino acid with dissimilar properties. This amino acid position is conserved. In addition, this alteration is predicted to be tolerated by in silico analysis. Since supporting evidence is limited at this time, the clinical significance of this alteration remains unclear.